The following is an entry in ClinVar:

ClinVar aggregate classification (germline): Likely benign (1 of 4 stars; one submission).

Conditions:
RPGRIP1L-related disorder. Also called: RPGRIP1L-related disorders; RPGRIP1L-related condition. Identifiers: MedGen CN239416.

Submission:

PreventionGenetics, part of Exact Sciences
Classification: Likely benign for RPGRIP1L-related condition. Last evaluated: 2025-09-24. Review status: criteria provided, single submitter. Criteria: ACMG Guidelines, 2015. Collection method: clinical testing. Allele origin: germline.
Comment: This variant is classified as likely benign based on ACMG/AMP sequence variant interpretation guidelines (Richards et al. 2015 PMID: 25741868, with internal and published modifications).

NM_015272.5(RPGRIP1L):c.2683+6C>A

Gene: RPGRIP1L (RPGRIP1 like; minus strand). Cytogenetic location: 16q12.2.
Variant type: single nucleotide variant.
Coding change: c.2683+6C>A on transcript NM_015272.5 (MANE Select); 6 bases into the intron after coding-DNA position 2683, C replaced by A.
Molecular consequence: intron variant.
Genome position (GRCh38, 1-based): chr16:53,645,619, G>T on the plus strand (C>A on the coding strand, the complement: RPGRIP1L is on the minus strand). VCF-style: chr16-53645619-G-T. GRCh37 (hg19) VCF-style: chr16-53679531-G-T.
Other names: c.2683+6C>A (NM_001127897.4, NM_001330538.2, NM_001308334.3).
Identifiers: ClinVar variation 4993955 (VCV004993955.1).